The following is an entry in ClinVar:

NM_000474.4(TWIST1):c.295A>G (p.Ser99Gly)

Gene: TWIST1 (twist family bHLH transcription factor 1; minus strand). Cytogenetic location: 7p21.1.
Variant type: single nucleotide variant.
Coding change: c.295A>G on transcript NM_000474.4 (MANE Select); coding-DNA position 295, A replaced by G.
Protein change: p.Ser99Gly; replaces serine 99 with glycine.
Molecular consequence: missense variant. On other transcripts: non-coding transcript variant (1).
Genome position (GRCh38, 1-based): chr7:19,117,027, T>C on the plus strand (A>G on the coding strand, the complement: TWIST1 is on the minus strand). VCF-style: chr7-19117027-T-C. GRCh37 (hg19) VCF-style: chr7-19156650-T-C.
Other names: short protein forms S99G.
Identifiers: ClinVar variation 2682206 (VCV002682206.1), dbSNP rs1427332350, ClinGen allele CA367015741.

ClinVar aggregate classification (germline): Uncertain significance (1 of 4 stars; one submission).

Allele frequency attached by ClinVar (database versions not stated): gnomAD exomes below 0.00001; gnomAD 0.00001; TOPMed 0.00001.
gnomAD v4.1: 3 of 1,500,276 alleles (0.0002%); highest among the groups gnomAD compares: African/African-American, 0.0044%; no homozygotes.

Submission:

Women's Health and Genetics/Laboratory Corporation of America, LabCorp
Classification: Uncertain significance. Last evaluated: 2023-11-21. Review status: criteria provided, single submitter. Criteria: LabCorp Variant Classification Summary - May 2015. Collection method: clinical testing. Allele origin: germline.
Comment: Variant summary: TWIST1 c.295A>G (p.Ser99Gly) results in a non-conservative amino acid change in the encoded protein sequence. Three of five in-silico tools predict a benign effect of the variant on protein function. The variant was absent in 117972 control chromosomes. The available data on variant occurrences in the general population are insufficient to allow any conclusion about variant significance. To our knowledge, no occurrence of c.295A>G in individuals affected with TWIST1-Related Disorders and no experimental evidence demonstrating its impact on protein function have been reported. No submitters have cited clinical-significance assessments for this variant to ClinVar after 2014. Based on the evidence outlined above, the variant was classified as uncertain significance.